The following is an entry in ClinVar:

NM_000112.4(SLC26A2):c.2120_2121del (p.Leu707fs)

Gene: SLC26A2 (solute carrier family 26 member 2; plus strand). Cytogenetic location: 5q32.
Variant type: Deletion.
Coding change: c.2120_2121del on transcript NM_000112.4 (MANE Select); coding-DNA positions 2120 to 2121, 2 bases deleted (TT; older notation c.2120_2121delTT).
Protein change: p.Leu707fs; shifts the reading frame from leucine 707.
Molecular consequence: frameshift variant.
Genome position (GRCh38, 1-based): chr5:149,981,713-149,981,714, TT deleted. VCF-style (leftmost placement, unchanged base first): chr5-149981712-CTT-C. GRCh37 (hg19) VCF-style: chr5-149361275-CTT-C.
Other names: c.2120_2121delTT (NM_000112.3); short protein forms L707fs.
Identifiers: ClinVar variation 56020 (VCV000056020.2), dbSNP rs386833501, ClinGen allele CA263258.

ClinVar aggregate classification (germline): Likely pathogenic (0 of 4 stars; one submission).

Conditions:
Diastrophic dysplasia (DTD). Also called: Diastrophic dwarfism. Identifiers: Orphanet 628, MedGen C0220726, MONDO:0009107, OMIM 222600.

Submission:

Juha Muilu Group; Institute for Molecular Medicine Finland (FIMM)
Classification: Likely pathogenic for Diastrophic dysplasia. Review status: no assertion criteria provided. Collection method: not provided. Allele origin: unknown.
Comment: FinDis database variant: This variant was not found or characterized by our laboratory, data were collected from public sources: see reference
ClinVar note: Converted during submission from probable-pathogenic to Likely pathogenic.